The following is an entry in ClinVar:

NM_002474.3(MYH11):c.5413G>C (p.Glu1805Gln)

Genes: MYH11 (myosin heavy chain 11; minus strand), NDE1 (nudE neurodevelopment protein 1; plus strand). Cytogenetic location: 16p13.11.
Variant type: single nucleotide variant.
Coding change: c.5413G>C on transcript NM_002474.3 (MANE Select); coding-DNA position 5413, G replaced by C.
Protein change: p.Glu1805Gln; replaces glutamic acid 1805 with glutamine.
Molecular consequence: missense variant. On other transcripts: intron variant (2).
Genome position (GRCh38, 1-based): chr16:15,717,231, C>G on the plus strand (G>C on the coding strand, the complement: MYH11 is on the minus strand). VCF-style: chr16-15717231-C-G. GRCh37 (hg19) VCF-style: chr16-15811088-C-G.
Other names: c.5434G>C, p.Glu1812Gln (NM_001040113.2, NM_001040114.2); c.5413G>C, p.Glu1805Gln (NM_022844.3); c.948-6960C>G (NM_001143979.2, NM_017668.3); short protein forms E1805Q, E1812Q.
Identifiers: ClinVar variation 3222392 (VCV003222392.1), dbSNP rs1382954416, ClinGen allele CA394848945.

ClinVar aggregate classification (germline): Uncertain significance (1 of 4 stars; one submission).

Conditions:
Familial thoracic aortic aneurysm and aortic dissection (TAAD). Also called: Thoracic aortic aneurysms and dissections. Identifiers: Orphanet 91387, MedGen C4707243, MONDO:0019625.

gnomAD v4.1: 2 of 1,614,228 alleles (0.00012%); highest among the groups gnomAD compares: South Asian, 0.0011%; no homozygotes.

Submission:

Ambry Genetics
Classification: Uncertain significance for Familial thoracic aortic aneurysm and aortic dissection. Last evaluated: 2023-10-15. Review status: criteria provided, single submitter. Criteria: Ambry Variant Classification Scheme 2023. Collection method: clinical testing. Allele origin: germline.
Comment: The p.E1805Q variant (also known as c.5413G>C), located in coding exon 37 of the MYH11 gene, results from a G to C substitution at nucleotide position 5413. The glutamic acid at codon 1805 is replaced by glutamine, an amino acid with highly similar properties. This amino acid position is conserved. In addition, this alteration is predicted to be deleterious by in silico analysis. Since supporting evidence is limited at this time, the clinical significance of this alteration remains unclear.